The following is an entry in ClinVar:

ClinVar aggregate classification (germline): Likely benign. Review status: criteria provided, multiple submitters, no conflicts (2 of 4 stars). 3 submissions from 3 submitters: Likely benign (3). Last evaluated 2024-01-01.

Conditions:
Cardiovascular phenotype. Identifiers: MedGen CN230736.

Allele frequency attached by ClinVar (database versions not stated): gnomAD exomes 0.00001; ExAC 0.00002; gnomAD 0.00007; TOPMed 0.00008.

Submissions (3):

CeGaT Center for Human Genetics Tuebingen
Classification: Likely benign. Last evaluated: 2024-01-01. Review status: criteria provided, single submitter. Criteria: CeGaT Center For Human Genetics Tuebingen Variant Classification Criteria Version 2. Collection method: clinical testing. Allele origin: germline. Affected: yes. Observed: 1 variant allele.
Comment: EPHB4: BP4

Ambry Genetics
Classification: Likely benign for Cardiovascular phenotype. Last evaluated: 2022-05-27. Review status: criteria provided, single submitter. Criteria: Ambry Variant Classification Scheme 2023. Collection method: clinical testing. Allele origin: germline.

Blueprint Genetics
Classification: Likely benign. Last evaluated: 2022-02-21. Review status: criteria provided, single submitter. Criteria: ACMG Guidelines, 2015. Collection method: clinical testing. Allele origin: germline.

NM_004444.5(EPHB4):c.1631C>T (p.Thr544Met)

Gene: EPHB4 (EPH receptor B4; minus strand). Cytogenetic location: 7q22.1.
Variant type: single nucleotide variant.
Coding change: c.1631C>T on transcript NM_004444.5 (MANE Select); coding-DNA position 1631, C replaced by T.
Protein change: p.Thr544Met; replaces threonine 544 with methionine.
Molecular consequence: missense variant.
Genome position (GRCh38, 1-based): chr7:100,813,979, G>A on the plus strand (C>T on the coding strand, the complement: EPHB4 is on the minus strand). VCF-style: chr7-100813979-G-A. GRCh37 (hg19) VCF-style: chr7-100411601-G-A.
Other names: short protein forms T544M.
Identifiers: ClinVar variation 1776838 (VCV001776838.25), dbSNP rs766417205, ClinGen allele CA4392901.